The following is an entry in ClinVar:

NM_024665.7(TBL1XR1):c.1022C>T (p.Pro341Leu)

Genes: TBL1XR1 (TBL1X/Y related 1; minus strand), TBL1XR1-AS1 (TBL1XR1 antisense RNA 1; plus strand), LOC126806878 (CDK7 strongly-dependent group 2 enhancer GRCh37_chr3:176755168-176756367; plus strand). Cytogenetic location: 3q26.32.
Variant type: single nucleotide variant.
Coding change: c.1022C>T on transcript NM_024665.7 (MANE Select); coding-DNA position 1022, C replaced by T.
Protein change: p.Pro341Leu; replaces proline 341 with leucine.
Molecular consequence: missense variant.
Genome position (GRCh38, 1-based): chr3:177,038,338, G>A on the plus strand (C>T on the coding strand, the complement: TBL1XR1 is on the minus strand). VCF-style: chr3-177038338-G-A. GRCh37 (hg19) VCF-style: chr3-176756126-G-A.
Other names: c.1022C>T, p.Pro341Leu (NM_001321193.3, NM_001321194.3, NM_001374327.1 and 2 more transcripts); c.761C>T, p.Pro254Leu (NM_001321195.3, NM_001374330.1); short protein forms P254L, P341L.
Identifiers: ClinVar variation 2892945 (VCV002892945.3), dbSNP rs2473634281, ClinGen allele CA355555271.

ClinVar aggregate classification (germline): Uncertain significance (1 of 4 stars; one submission).

Conditions:
Pierpont syndrome (PRPTS). Identifiers: Orphanet 487825, MedGen C1865644, MONDO:0011213, OMIM 602342.

Submission:

Labcorp Genetics (formerly Invitae), Labcorp
Classification: Uncertain significance for Pierpont syndrome. Last evaluated: 2023-01-28. Review status: criteria provided, single submitter. Criteria: Invitae Variant Classification Sherloc (09022015). Collection method: clinical testing. Allele origin: germline.
Comment: This variant is not present in population databases (gnomAD no frequency). This sequence change replaces proline, which is neutral and non-polar, with leucine, which is neutral and non-polar, at codon 341 of the TBL1XR1 protein (p.Pro341Leu). This variant has not been reported in the literature in individuals affected with TBL1XR1-related conditions. In summary, the available evidence is currently insufficient to determine the role of this variant in disease. Therefore, it has been classified as a Variant of Uncertain Significance. Advanced modeling of protein sequence and biophysical properties (such as structural, functional, and spatial information, amino acid conservation, physicochemical variation, residue mobility, and thermodynamic stability) performed at Invitae indicates that this missense variant is expected to disrupt TBL1XR1 protein function.